The following is an entry in ClinVar:

ClinVar aggregate classification (germline): Uncertain significance (1 of 4 stars; one submission).

Conditions:
Hereditary cancer-predisposing syndrome. Also called: Hereditary Cancer Syndrome; Hereditary neoplastic syndrome; Neoplastic Syndromes, Hereditary; Tumor predisposition. Identifiers: Orphanet 140162, MedGen C0027672, MeSH D009386, MONDO:0015356.

Submission:

Ambry Genetics
Classification: Uncertain significance for Hereditary cancer-predisposing syndrome. Last evaluated: 2021-08-15. Review status: criteria provided, single submitter. Criteria: Ambry Variant Classification Scheme 2023. Collection method: clinical testing. Allele origin: germline.
Comment: The p.S3400C variant (also known as c.10198A>T), located in coding exon 26 of the BRCA2 gene, results from an A to T substitution at nucleotide position 10198. The serine at codon 3400 is replaced by cysteine, an amino acid with dissimilar properties. This amino acid position is conserved. In addition, this alteration is predicted to be tolerated by in silico analysis. Since supporting evidence is limited at this time, the clinical significance of this alteration remains unclear.

NM_000059.4(BRCA2):c.10198A>T (p.Ser3400Cys)

Gene: BRCA2 (BRCA2 DNA repair associated; plus strand). Cytogenetic location: 13q13.1.
Variant type: single nucleotide variant.
Coding change: c.10198A>T on transcript NM_000059.4 (MANE Select); coding-DNA position 10198, A replaced by T.
Protein change: p.Ser3400Cys; replaces serine 3400 with cysteine.
Molecular consequence: missense variant.
Genome position (GRCh38, 1-based): chr13:32,398,711, A>T. VCF-style: chr13-32398711-A-T. GRCh37 (hg19) VCF-style: chr13-32972848-A-T.
Other names: c.10102A>T, p.Ser3368Cys (NM_001406719.1); c.10147A>T, p.Ser3383Cys (NM_001406720.1); c.5266A>T, p.Ser1756Cys (NM_001406721.1); c.3781A>T, p.Ser1261Cys (NM_001406722.1); short protein forms S3368C, S1261C, S3383C, S3400C, S1756C.
Identifiers: ClinVar variation 1752166 (VCV001752166.2), dbSNP rs1555290068, ClinGen allele CA387768394.